The following is an entry in ClinVar:

ClinVar aggregate classification (germline): Conflicting classifications of pathogenicity. Review status: criteria provided, conflicting classifications (1 of 4 stars). 11 submissions from 11 submitters: Uncertain significance (1); Benign (3); Likely benign (6). 1 of the submissions does not count toward it. Last evaluated 2026-03-01.

Conditions:
MYH11-related disorder. Also called: MYH11-related condition.
Familial thoracic aortic aneurysm and aortic dissection (TAAD). Also called: Thoracic aortic aneurysms and dissections. Identifiers: Orphanet 91387, MedGen C4707243, MONDO:0019625.
Aortic aneurysm, familial thoracic 4 (AAT4). Also called: AORTIC ANEURYSM/AORTIC DISSECTION AND PATENT DUCTUS ARTERIOSUS. Identifiers: MedGen C1851504, MONDO:0007568, OMIM 132900.

Allele frequency attached by ClinVar (database versions not stated): 1000 Genomes Project 0.00020; 1000 Genomes Project 30x 0.00031; TOPMed 0.00040; gnomAD 0.00050 and 0.00052; gnomAD exomes 0.00062 and 0.00066; ExAC 0.00080; ESP Exome Variant Server 0.00085.
gnomAD v4.1: 1,049 of 1,614,082 alleles (0.065%); highest among the groups gnomAD compares: Non-Finnish European, 0.078%; 2 homozygotes.

Submissions (11):

CeGaT Center for Human Genetics Tuebingen
Classification: Benign. Last evaluated: 2026-03-01. Review status: criteria provided, single submitter. Criteria: CeGaT Center For Human Genetics Tuebingen Variant Classification Criteria Version 2. Collection method: clinical testing. Allele origin: germline. Affected: yes. Observed: 4 variant alleles.
Comment: MYH11: BS1, BS2

Labcorp Genetics (formerly Invitae), Labcorp
Classification: Likely benign for Aortic aneurysm, familial thoracic 4. Last evaluated: 2026-02-04. Review status: criteria provided, single submitter. Criteria: Invitae Variant Classification Sherloc (09022015). Collection method: clinical testing. Allele origin: germline.

ARUP Laboratories, Molecular Genetics and Genomics, ARUP Laboratories
Classification: Likely benign. Last evaluated: 2025-03-27. Review status: criteria provided, single submitter. Criteria: ARUP Molecular Germline Variant Investigation Process 2024. Collection method: clinical testing. Allele origin: germline.

Blueprint Genetics
Classification: Likely benign. Last evaluated: 2024-06-19. Review status: criteria provided, single submitter. Criteria: ACMG Guidelines, 2015. Collection method: clinical testing. Allele origin: germline.

GeneDx
Classification: Likely benign. Last evaluated: 2021-03-01. Review status: criteria provided, single submitter. Criteria: GeneDx Variant Classification Process June 2021. Collection method: clinical testing. Allele origin: germline. Affected: yes.

Ambry Genetics
Classification: Likely benign for Familial thoracic aortic aneurysm and aortic dissection. Last evaluated: 2019-05-22. Review status: criteria provided, single submitter. Criteria: Ambry Variant Classification Scheme 2023. Collection method: clinical testing. Allele origin: germline.

CHEO Genetics Diagnostic Laboratory, Children's Hospital of Eastern Ontario
Classification: Benign for Familial thoracic aortic aneurysm and aortic dissection. Last evaluated: 2019-05-14. Review status: criteria provided, single submitter. Criteria: ACMG Guidelines, 2015. Collection method: clinical testing. Allele origin: germline.

Color Diagnostics, LLC DBA Color Health
Classification: Likely benign for Familial thoracic aortic aneurysm and aortic dissection. Last evaluated: 2018-05-14. Review status: criteria provided, single submitter. Criteria: ACMG Guidelines, 2015. Collection method: clinical testing. Allele origin: germline.

Illumina Laboratory Services, Illumina
Classification: Uncertain significance for Aortic aneurysm, familial thoracic 4. Last evaluated: 2018-01-13. Review status: criteria provided, single submitter. Criteria: ICSL Variant Classification Criteria 13 December 2019. Collection method: clinical testing. Allele origin: germline.

Women's Health and Genetics/Laboratory Corporation of America, LabCorp
Classification: Benign. Last evaluated: 2016-03-29. Review status: criteria provided, single submitter. Criteria: LabCorp Variant Classification Summary - May 2015. Collection method: clinical testing. Allele origin: germline.
Comment: Variant summary: This c.1753A>G variant affects a non-conserved nucleotide, resulting in amino acid change from Ile to Val. 3/3 in-silico tools predict this variant to be benign (SNPs&GO and Mutation Taster not captured here due to low reliability index and p-value, respectively). The variant of interest was observed in the large, broad control population, ExAC, with an allele frequency of 97/121158 (1/1249), which exceeds the predicted maximum expected allele frequency for a pathogenic MYH11 variant of 1/769230. The variant of interest, to our knowledge, has not been reported in affected individuals via publications, although a reputable clinical laboratory cites the variant as "likely benign." Therefore, taking all available lines of evidence into consideration, the variant of interest is classified as Benign.

PreventionGenetics, part of Exact Sciences
Classification: Likely benign for MYH11-related condition. Last evaluated: 2021-02-09. Review status: no assertion criteria provided. Collection method: clinical testing. Allele origin: germline. Not counted in ClinVar's aggregate classification.
Comment: This variant is classified as likely benign based on ACMG/AMP sequence variant interpretation guidelines (Richards et al. 2015 PMID: 25741868, with internal and published modifications).

NM_002474.3(MYH11):c.1732A>G (p.Ile578Val)

Gene: MYH11 (myosin heavy chain 11; minus strand). Cytogenetic location: 16p13.11.
Variant type: single nucleotide variant.
Coding change: c.1732A>G on transcript NM_002474.3 (MANE Select); coding-DNA position 1732, A replaced by G.
Protein change: p.Ile578Val; replaces isoleucine 578 with valine.
Molecular consequence: missense variant.
Genome position (GRCh38, 1-based): chr16:15,756,358, T>C on the plus strand (A>G on the coding strand, the complement: MYH11 is on the minus strand). VCF-style: chr16-15756358-T-C. GRCh37 (hg19) VCF-style: chr16-15850215-T-C.
Other names: p.I578V:ATC>GTC; c.1753A>G, p.Ile585Val (NM_001040113.2, NM_001040114.2); c.1732A>G, p.Ile578Val (NM_022844.3); short protein forms I578V, I585V.
Identifiers: ClinVar variation 201024 (VCV000201024.43), dbSNP rs111936548, ClinGen allele CA306440.